The following is an entry in ClinVar:

ClinVar aggregate classification (germline): Uncertain significance (1 of 4 stars; one submission).

Allele frequency attached by ClinVar (database versions not stated): TOPMed below 0.00001.
gnomAD v4.1: 4 of 1,614,204 alleles (0.00025%); highest among the groups gnomAD compares: African/African-American, 0.0013%; no homozygotes.

Submission:

Labcorp Genetics (formerly Invitae), Labcorp
Classification: Uncertain significance. Last evaluated: 2023-07-17. Review status: criteria provided, single submitter. Criteria: Invitae Variant Classification Sherloc (09022015). Collection method: clinical testing. Allele origin: germline.
Comment: In summary, the available evidence is currently insufficient to determine the role of this variant in disease. Therefore, it has been classified as a Variant of Uncertain Significance. This sequence change replaces proline, which is neutral and non-polar, with alanine, which is neutral and non-polar, at codon 396 of the TPP1 protein (p.Pro396Ala). This variant is not present in population databases (gnomAD no frequency). This variant has not been reported in the literature in individuals affected with TPP1-related conditions. ClinVar contains an entry for this variant (Variation ID: 972142). Advanced modeling of protein sequence and biophysical properties (such as structural, functional, and spatial information, amino acid conservation, physicochemical variation, residue mobility, and thermodynamic stability) performed at Invitae indicates that this missense variant is expected to disrupt TPP1 protein function.

NM_000391.4(TPP1):c.1186C>G (p.Pro396Ala)

Gene: TPP1 (tripeptidyl peptidase 1; minus strand). Cytogenetic location: 11p15.4.
Variant type: single nucleotide variant.
Coding change: c.1186C>G on transcript NM_000391.4 (MANE Select); coding-DNA position 1186, C replaced by G.
Protein change: p.Pro396Ala; replaces proline 396 with alanine.
Molecular consequence: missense variant.
Genome position (GRCh38, 1-based): chr11:6,615,522, G>C on the plus strand (C>G on the coding strand, the complement: TPP1 is on the minus strand). VCF-style: chr11-6615522-G-C. GRCh37 (hg19) VCF-style: chr11-6636753-G-C.
Other names: short protein forms P396A.
Identifiers: ClinVar variation 972142 (VCV000972142.10), dbSNP rs766934252, ClinGen allele CA379473055.